The following is an entry in ClinVar:

ClinVar aggregate classification (germline): Conflicting classifications of pathogenicity. Review status: criteria provided, conflicting classifications (1 of 4 stars). 5 submissions from 5 submitters: Uncertain significance (1); Likely benign (4). Last evaluated 2025-03-09.

Conditions:
Cardiomyopathy (CMYO). Also called: Cardiomyopathies. Identifiers: Orphanet 167848, MedGen C0878544, MONDO:0004994, HP:0001638. Inheritance: Various modes of inheritance.
Arrhythmogenic right ventricular dysplasia 5. Also called: Arrhythmogenic Right Ventricular Dysplasia/Cardiomyopathy 5; ARRHYTHMOGENIC RIGHT VENTRICULAR DYSPLASIA, FAMILIAL, 5. Identifiers: MedGen C1858379, MONDO:0011459, OMIM 604400.

Allele frequency attached by ClinVar (database versions not stated): gnomAD exomes below 0.00001; TOPMed 0.00002.
gnomAD v4.1: 8 of 1,614,146 alleles (0.0005%); highest among the groups gnomAD compares: South Asian, 0.0011%; no homozygotes.

Submissions (5):

Labcorp Genetics (formerly Invitae), Labcorp
Classification: Likely benign for Arrhythmogenic right ventricular dysplasia 5. Last evaluated: 2025-03-09. Review status: criteria provided, single submitter. Criteria: Invitae Variant Classification Sherloc (09022015). Collection method: clinical testing. Allele origin: germline.

Blueprint Genetics
Classification: Likely benign. Last evaluated: 2024-06-13. Review status: criteria provided, single submitter. Criteria: ACMG Guidelines, 2015. Collection method: clinical testing. Allele origin: germline.

Athena Diagnostics
Classification: Uncertain significance. Last evaluated: 2024-06-12. Review status: criteria provided, single submitter. Criteria: Athena Diagnostics Criteria. Collection method: clinical testing. Allele origin: unknown.
Comment: Available data are insufficient to determine the clinical significance of the variant at this time. The frequency of this variant in the general population is uninformative in assessment of its pathogenicity. Computational tools yielded predictions that this variant is unlikely to have an effect on normal RNA splicing.

All of Us Research Program, National Institutes of Health
Classification: Likely benign for Arrhythmogenic right ventricular dysplasia 5. Last evaluated: 2023-08-15. Review status: criteria provided, single submitter. Criteria: ACMG Guidelines, 2015. Collection method: clinical testing. Allele origin: germline. Inheritance: Autosomal dominant inheritance. Observed: 1 variant allele, 1 heterozygote.
Comment: This study involves interpretation of variants in research participants for the purpose of population health screening. Participant phenotype was not available at the time of variant classification. Additional details can be found in publication PMID: 35346344, PMCID: PMC8962531

Color Diagnostics, LLC DBA Color Health
Classification: Likely benign for Cardiomyopathy. Last evaluated: 2019-08-02. Review status: criteria provided, single submitter. Criteria: ACMG Guidelines, 2015. Collection method: clinical testing. Allele origin: germline.

NM_024334.3(TMEM43):c.393-4G>T

Gene: TMEM43 (transmembrane protein 43; plus strand). Cytogenetic location: 3p25.1.
Variant type: single nucleotide variant.
Coding change: c.393-4G>T on transcript NM_024334.3 (MANE Select); 4 bases into the intron before coding-DNA position 393, G replaced by T.
Molecular consequence: intron variant.
Genome position (GRCh38, 1-based): chr3:14,132,542, G>T. VCF-style: chr3-14132542-G-T. GRCh37 (hg19) VCF-style: chr3-14174042-G-T.
Identifiers: ClinVar variation 534762 (VCV000534762.16), dbSNP rs1247757810, ClinGen allele CA541296479.
Genomic context (GRCh38, chr3:14,132,542, plus strand): 5'-CTTAGAGATTAGACTGCCTGGGGCGACGAGGCTAACCCCCGTGGCTGCTTTGCTTTCCCT[G>T]CAGGGAGTACACCGAGGATGGGCAGGTGAAGAAGGAGACGAGGTATTCCTACAGTGAGTG-3'